The following is an entry in ClinVar:

NM_001085049.3(MRAS):c.370G>A (p.Val124Met)

Gene: MRAS (muscle RAS oncogene homolog; plus strand). Cytogenetic location: 3q22.3.
Variant type: single nucleotide variant.
Coding change: c.370G>A on transcript NM_001085049.3 (MANE Select); coding-DNA position 370, G replaced by A.
Protein change: p.Val124Met; replaces valine 124 with methionine.
Molecular consequence: missense variant.
Genome position (GRCh38, 1-based): chr3:138,398,491, G>A. VCF-style: chr3-138398491-G-A. GRCh37 (hg19) VCF-style: chr3-138117333-G-A.
Other names: c.370G>A, p.Val124Met (NM_001252090.2, NM_012219.4); c.142G>A, p.Val48Met (NM_001252091.1, NM_001252092.2, NM_001252093.2); c.370G>A (NM_012219.3); short protein forms V124M, V48M.
Identifiers: ClinVar variation 3696140 (VCV003696140.3).
Genomic context (GRCh38, chr3:138,398,491, plus strand): 5'-TGGAAACCTCACAGAGCTGCTGTTCCTTTATTTCCCAGGGAGTCATTCCCGATGATCCTC[G>A]TGGCCAACAAGGTCGATTTGATGCACTTGAGGAAGATCACCAGGGAGCAAGGAAAAGAAA-3'
Protein context (NP_001078518.1, residues 114-134): KDRESFPMIL[Val124Met]ANKVDLMHLR

ClinVar aggregate classification (germline): Uncertain significance. Review status: criteria provided, multiple submitters, no conflicts (2 of 4 stars). 2 submissions from 2 submitters: Uncertain significance (2). Last evaluated 2025-06-19.

Conditions:
Inborn genetic diseases. Identifiers: MedGen C0950123, MeSH D030342.

gnomAD v4.1: 7 of 1,613,998 alleles (0.00043%); highest among the groups gnomAD compares: African/African-American, 0.0013%; no homozygotes.

Submissions (2):

Ambry Genetics
Classification: Uncertain significance for Inborn genetic diseases. Last evaluated: 2025-06-19. Review status: criteria provided, single submitter. Criteria: Ambry Variant Classification Scheme 2023. Collection method: clinical testing. Allele origin: germline.

Labcorp Genetics (formerly Invitae), Labcorp
Classification: Uncertain significance. Last evaluated: 2024-07-23. Review status: criteria provided, single submitter. Criteria: Invitae Variant Classification Sherloc (09022015). Collection method: clinical testing. Allele origin: germline.
Comment: This sequence change replaces valine, which is neutral and non-polar, with methionine, which is neutral and non-polar, at codon 124 of the MRAS protein (p.Val124Met). This variant is present in population databases (no rsID available, gnomAD 0.0009%). This variant has not been reported in the literature in individuals affected with MRAS-related conditions. An algorithm developed to predict the effect of missense changes on protein structure and function (PolyPhen-2) suggests that this variant is likely to be disruptive. In summary, the available evidence is currently insufficient to determine the role of this variant in disease. Therefore, it has been classified as a Variant of Uncertain Significance.